The following is an entry in ClinVar:

NM_002317.7(LOX):c.763dup (p.Arg255fs)

Genes: LOX (lysyl oxidase; minus strand), SRFBP1 (serum response factor binding protein 1; plus strand). Cytogenetic location: 5q23.1.
Variant type: Duplication.
Coding change: c.763dup on transcript NM_002317.7 (MANE Select); coding-DNA position 763, one base duplicated (A; older notation c.763dupA).
Protein change: p.Arg255fs; shifts the reading frame from arginine 255.
Molecular consequence: frameshift variant. On other transcripts: 5 prime UTR variant (1).
Genome position (GRCh38, 1-based): chr5:122,075,519, T duplicated on the plus strand (A on the coding strand, the reverse complement: LOX is on the minus strand). VCF-style (leftmost placement, unchanged base first): chr5-122075518-C-CT. GRCh37 (hg19) VCF-style: chr5-121411213-C-CT.
Other names: c.73dup, p.Arg25fs (NM_001178102.2); c.-129dup (NM_001317073.1); short protein forms R25fs, R255fs.
Identifiers: ClinVar variation 2045706 (VCV002045706.4), dbSNP rs1754591002, ClinGen allele CA1578378598.

ClinVar aggregate classification (germline): Pathogenic (1 of 4 stars; one submission).

Submission:

Labcorp Genetics (formerly Invitae), Labcorp
Classification: Pathogenic. Last evaluated: 2021-12-17. Review status: criteria provided, single submitter. Criteria: Invitae Variant Classification Sherloc (09022015). Collection method: clinical testing. Allele origin: germline.
Comment: For these reasons, this variant has been classified as Pathogenic. This variant has not been reported in the literature in individuals affected with LOX-related conditions. This variant is not present in population databases (gnomAD no frequency). This sequence change creates a premature translational stop signal (p.Arg255Lysfs*4) in the LOX gene. It is expected to result in an absent or disrupted protein product. Loss-of-function variants in LOX are known to be pathogenic (PMID: 12417550, 26838787, 27432961).

Literature cited by the submitters: PubMed 12417550; PubMed 26838787; PubMed 27432961.